The following is an entry in ClinVar:

ClinVar aggregate classification (germline): Pathogenic. Review status: criteria provided, multiple submitters, no conflicts (2 of 4 stars). 3 submissions from 3 submitters: Pathogenic (3). Last evaluated 2026-02-26.

Conditions:
Neurofibromatosis, type 1 (NF1). Also called: Neurofibromatosis, type I; VON RECKLINGHAUSEN DISEASE; NEUROFIBROMATOSIS, TYPE I, SOMATIC; Peripheral type neurofibromatosis. Identifiers: Orphanet 636, MedGen C0027831, MONDO:0018975, OMIM 162200. Disease mechanism: loss of function.
Cardiovascular phenotype. Identifiers: MedGen CN230736.
Hereditary cancer-predisposing syndrome. Also called: Hereditary Cancer Syndrome; Hereditary neoplastic syndrome; Tumor predisposition; Neoplastic Syndromes, Hereditary. Identifiers: Orphanet 140162, MedGen C0027672, MeSH D009386, MONDO:0015356.

Submissions (3):

NHS Central & South Genomic Laboratory Hub
Classification: Pathogenic for Neurofibromatosis type 1. Last evaluated: 2026-02-26. Review status: criteria provided, single submitter. Criteria: ACMG Guidelines, 2015. Collection method: clinical testing. Allele origin: germline. Affected: yes.

Labcorp Genetics (formerly Invitae), Labcorp
Classification: Pathogenic for Neurofibromatosis, type 1. Last evaluated: 2026-01-19. Review status: criteria provided, single submitter. Criteria: Invitae Variant Classification Sherloc (09022015). Collection method: clinical testing. Allele origin: germline.
Comment: This sequence change creates a premature translational stop signal (p.Ser2116*) in the NF1 gene. It is expected to result in an absent or disrupted protein product. Loss-of-function variants in NF1 are known to be pathogenic (PMID: 10712197, 23913538). This variant is not present in population databases (gnomAD no frequency). This premature translational stop signal has been observed in individual(s) with neurofibromatosis, type 1 (PMID: 26740943). Invitae Evidence Modeling of clinical and family history, age, sex, and reported ancestry of multiple individuals with this NF1 variant has been performed. This variant is expected to be pathogenic with a positive predictive value of at least 99%. This is a validated machine learning model that incorporates the clinical features of 1,785,918 individuals referred to our laboratory for NF1 testing. ClinVar contains an entry for this variant (Variation ID: 1459448). For these reasons, this variant has been classified as Pathogenic.

Ambry Genetics
Classification: Pathogenic for Cardiovascular phenotype; Hereditary cancer-predisposing syndrome. Last evaluated: 2022-03-15. Review status: criteria provided, single submitter. Criteria: Ambry Variant Classification Scheme 2023. Collection method: clinical testing. Allele origin: germline.
Comment: The p.S2116* pathogenic mutation (also known as c.6347C>G), located in coding exon 41 of the NF1 gene, results from a C to G substitution at nucleotide position 6347. This changes the amino acid from a serine to a stop codon within coding exon 41. This alteration was detected in an individual with neurofibromatosis type 1 (NF1) or a clinical suspicion of NF1 (Bianchessi D et al. Mol Genet Genomic Med, 2015 Nov;3:513-25). This variant is considered to be rare based on population cohorts in the Genome Aggregation Database (gnomAD). This alteration is expected to result in loss of function by premature protein truncation or nonsense-mediated mRNA decay. As such, this alteration is interpreted as a disease-causing mutation.

Literature cited by the submitters: PubMed 10712197 (cited by Labcorp Genetics (formerly Invitae), Labcorp); PubMed 23913538 (cited by Labcorp Genetics (formerly Invitae), Labcorp); PubMed 26740943 (cited by Labcorp Genetics (formerly Invitae), Labcorp).

NM_001042492.3(NF1):c.6410C>G (p.Ser2137Ter)

Gene: NF1 (neurofibromin 1; plus strand). Cytogenetic location: 17q11.2.
Variant type: single nucleotide variant.
Coding change: c.6410C>G on transcript NM_001042492.3 (MANE Select); coding-DNA position 6410, C replaced by G.
Protein change: p.Ser2137Ter; replaces serine 2137 with a stop codon.
Molecular consequence: nonsense.
Genome position (GRCh38, 1-based): chr17:31,336,897, C>G. VCF-style: chr17-31336897-C-G. GRCh37 (hg19) VCF-style: chr17-29663915-C-G.
Other names: c.6347C>G, p.Ser2116Ter (NM_000267.4); short protein forms S2137*, S2116*.
Identifiers: ClinVar variation 1459448 (VCV001459448.9), dbSNP rs2069691055, ClinGen allele CA399012932.
Genomic context (GRCh38, chr17:31,336,897, plus strand): 5'-CCCTTAGAGCTTCCACACATGGACTGGTCATTAATATCATTCACTCTCTGTGTACTTGTT[C>G]ACAGCTTCATTTTAGTGGTAAGTTCTAGGAAAGGAATTTGTGTTTACCAGTTCCTTTCTC-3'